The following is an entry in ClinVar:

ClinVar aggregate classification (germline): Likely pathogenic (1 of 4 stars; one submission).

Submission:

GeneDx
Classification: Likely pathogenic. Last evaluated: 2022-08-10. Review status: criteria provided, single submitter. Criteria: GeneDx Variant Classification Process June 2021. Collection method: clinical testing. Allele origin: germline. Affected: yes.
Comment: Canonical splice site variant expected to result in aberrant splicing, although in the absence of functional evidence the actual effect of this sequence change is unknown.; Not observed at significant frequency in large population cohorts (gnomAD); Has not been previously published as pathogenic or benign to our knowledge

NM_001161352.2(KCNMA1):c.540+1G>A

Gene: KCNMA1 (potassium calcium-activated channel subfamily M alpha 1; minus strand). Cytogenetic location: 10q22.3.
Variant type: single nucleotide variant.
Coding change: c.540+1G>A on transcript NM_001161352.2 (MANE Select); the canonical splice donor site of the intron after coding-DNA position 540, G replaced by A.
Molecular consequence: splice donor variant. On other transcripts: intron variant (1).
Genome position (GRCh38, 1-based): chr10:77,403,861, C>T on the plus strand (G>A on the coding strand, the complement: KCNMA1 is on the minus strand). VCF-style: chr10-77403861-C-T. GRCh37 (hg19) VCF-style: chr10-79163619-C-T.
Other names: c.540+1G>A (NM_001322836.2, NM_001271519.2, NM_001322837.2 and 8 more transcripts); c.379-152605G>A (NM_001271518.2).
Identifiers: ClinVar variation 1203674 (VCV001203674.5), dbSNP rs2154465020, ClinGen allele CA377410918.